The following is an entry in ClinVar:

ClinVar aggregate classification (germline): Pathogenic. Review status: criteria provided, multiple submitters, no conflicts (2 of 4 stars). 2 submissions from 2 submitters: Pathogenic (2). Last evaluated 2025-02-24.

Conditions:
Hereditary cancer-predisposing syndrome. Also called: Neoplastic Syndromes, Hereditary; Hereditary Cancer Syndrome; Hereditary neoplastic syndrome; Tumor predisposition. Identifiers: Orphanet 140162, MedGen C0027672, MeSH D009386, MONDO:0015356.

Submissions (2):

Molecular Diagnostics Laboratory, Catalan Institute of Oncology
Classification: Pathogenic for Hereditary cancer-predisposing syndrome. Last evaluated: 2025-02-24. Review status: criteria provided, single submitter. Criteria: ACMG Guidelines, 2015. Collection method: clinical testing. Allele origin: germline.
Comment: PVS1, PS4_Supporting, PM2_Supporting c.525C>A, located in exon 3 of the VHL gene, is expected to result in loss of function by premature protein truncation p.(Tyr175*)(PVS1).It is not present in the population database gnomAD v2.1.1, non cancer dataset (PM2_supporting). The SpliceAI algorithm predicts no significant impact on splicing. The variant has been reported in the ClinVar database (1x pathogenic) and is not present in the LOVD database. Based on currently available information, the variant c.525C>A is classified as a pathogenic variant according to ClinGen VHL Expert Panel Specifications to the ACMG/AMP Variant Interpretation Guidelines for VHL Version 1.1.0.

CeGaT Center for Human Genetics Tuebingen
Classification: Pathogenic. Last evaluated: 2021-09-01. Review status: criteria provided, single submitter. Criteria: CeGaT Center For Human Genetics Tuebingen Variant Classification Criteria Version 2. Collection method: clinical testing. Allele origin: germline. Affected: yes. Observed: 1 variant allele.

NM_000551.4(VHL):c.525C>A (p.Tyr175Ter)

Genes: VHL (von Hippel-Lindau tumor suppressor; plus strand), LOC107303340 (3p25 von Hippel-Lindau tumor suppressor, E3 ubiquitin protein ligase Alu-mediated recombination region; plus strand). Cytogenetic location: 3p25.3.
Variant type: single nucleotide variant.
Coding change: c.525C>A on transcript NM_000551.4 (MANE Select); coding-DNA position 525, C replaced by A.
Protein change: p.Tyr175Ter; replaces tyrosine 175 with a stop codon.
Molecular consequence: nonsense. On other transcripts: 3 prime UTR variant (1).
Genome position (GRCh38, 1-based): chr3:10,149,848, C>A. VCF-style: chr3-10149848-C-A. GRCh37 (hg19) VCF-style: chr3-10191532-C-A.
Other names: c.*79C>A (NM_001354723.2); c.402C>A, p.Tyr134Ter (NM_198156.3); short protein forms Y134*, Y175*.
Identifiers: ClinVar variation 1298905 (VCV001298905.36), dbSNP rs5030835, ClinGen allele CA351756231.